The following is an entry in ClinVar:

ClinVar aggregate classification (germline): Uncertain significance (1 of 4 stars; one submission).

Conditions:
Cardiovascular phenotype. Identifiers: MedGen CN230736.

Submission:

Ambry Genetics
Classification: Uncertain significance for Cardiovascular phenotype. Last evaluated: 2025-06-16. Review status: criteria provided, single submitter. Criteria: Ambry Variant Classification Scheme 2023. Collection method: clinical testing. Allele origin: germline.
Comment: The p.I832M variant (also known as c.2496T>G), located in coding exon 20 of the ABCC9 gene, results from a T to G substitution at nucleotide position 2496. The isoleucine at codon 832 is replaced by methionine, an amino acid with highly similar properties. This amino acid position is well conserved in available vertebrate species. In addition, this alteration is predicted to be deleterious by in silico analysis. Based on the available evidence, the clinical significance of this variant remains unclear.

NM_020297.4(ABCC9):c.2496T>G (p.Ile832Met)

Gene: ABCC9 (ATP binding cassette subfamily C member 9; minus strand). Cytogenetic location: 12p12.1.
Variant type: single nucleotide variant.
Coding change: c.2496T>G on transcript NM_020297.4 (MANE Select); coding-DNA position 2496, T replaced by G.
Protein change: p.Ile832Met; replaces isoleucine 832 with methionine.
Molecular consequence: missense variant.
Genome position (GRCh38, 1-based): chr12:21,859,595, A>C on the plus strand (T>G on the coding strand, the complement: ABCC9 is on the minus strand). VCF-style: chr12-21859595-A-C. GRCh37 (hg19) VCF-style: chr12-22012529-A-C.
Other names: c.2496T>G, p.Ile832Met (NM_001377273.1, NM_005691.4); c.1629T>G, p.Ile543Met (NM_001377274.1); short protein forms I543M, I832M.
Identifiers: ClinVar variation 4134243 (VCV004134243.1).